The following is an entry in ClinVar:

NM_000090.4(COL3A1):c.3275G>C (p.Gly1092Ala)

Gene: COL3A1 (collagen type III alpha 1 chain; plus strand). Cytogenetic location: 2q32.2.
Variant type: single nucleotide variant.
Coding change: c.3275G>C on transcript NM_000090.4 (MANE Select); coding-DNA position 3275, G replaced by C.
Protein change: p.Gly1092Ala; replaces glycine 1092 with alanine.
Molecular consequence: missense variant.
Genome position (GRCh38, 1-based): chr2:189,007,519, G>C. VCF-style: chr2-189007519-G-C. GRCh37 (hg19) VCF-style: chr2-189872245-G-C.
Other names: short protein forms G1092A.
Identifiers: ClinVar variation 3366496 (VCV003366496.4).

ClinVar aggregate classification (germline): Pathogenic/Likely pathogenic. Review status: criteria provided, multiple submitters, no conflicts (2 of 4 stars). 3 submissions from 3 submitters: Pathogenic (1); Likely pathogenic (2). Last evaluated 2025-03-03.

Conditions:
Familial aortopathy. Identifiers: MedGen CN078214.
Familial thoracic aortic aneurysm and aortic dissection (TAAD). Also called: Thoracic aortic aneurysms and dissections. Identifiers: Orphanet 91387, MedGen C4707243, MONDO:0019625.
Ehlers-Danlos syndrome, type 4 (EDSVASC). Also called: Ehlers-Danlos syndrome vascular type; Ehlers Danlos syndrome, ecchymotic type; Ehlers Danlos syndrome, arterial type; Ehlers Danlos syndrome, Sack-Barabas type; Ehlers-Danlos Syndrome Type IV. Identifiers: Orphanet 286, MedGen C0268338, MONDO:0017314, OMIM 130050.

Submissions (3):

Ambry Genetics
Classification: Likely pathogenic for Familial thoracic aortic aneurysm and aortic dissection. Last evaluated: 2025-03-03. Review status: criteria provided, single submitter. Criteria: Ambry Variant Classification Scheme 2023. Collection method: clinical testing. Allele origin: germline.
Comment: The p.G1092A variant (also known as c.3275G>C), located in coding exon 45 of the COL3A1 gene, results from a G to C substitution at nucleotide position 3275. The glycine at codon 1092 is replaced by alanine, an amino acid with similar properties. The majority (approximately two-thirds) ofCOL3A1mutations identified to date have involved the substitution of another amino acid for glycine within the triple-helical domain (PepinMG et al.GenetMed.2014;16(12):881-8; Frank M et al.Eur J Hum Genet. 2015;23(12):1657-64). Internal structural analysis indicates that this alteration disrupts the characteristic G-X-Y motif in theCOL3A1protein and inserts a bulky side chain into asterically-constrainedregion (Bella J et al.Science.1994;266:75-81;HohenesterE et al.Proc. Natl.Acad. Sci. U.S.A.2008;105:18273-7; Ambry internal data). This amino acid position is highly conserved in available vertebrate species. In addition, this alteration is predicted to be deleterious by in silico analysis. Based on the majority of available evidence to date, this variant is likely to be pathogenic.

Labcorp Genetics (formerly Invitae), Labcorp
Classification: Pathogenic for Ehlers-Danlos syndrome, type 4. Last evaluated: 2024-11-19. Review status: criteria provided, single submitter. Criteria: Invitae Variant Classification Sherloc (09022015). Collection method: clinical testing. Allele origin: germline.
Comment: This sequence change replaces glycine, which is neutral and non-polar, with alanine, which is neutral and non-polar, at codon 1092 of the COL3A1 protein (p.Gly1092Ala). This variant is not present in population databases (gnomAD no frequency). This missense change has been observed in individual(s) with clinical features of vascular Ehlers Danlos syndrome (internal data). Invitae Evidence Modeling of protein sequence and biophysical properties (such as structural, functional, and spatial information, amino acid conservation, physicochemical variation, residue mobility, and thermodynamic stability) indicates that this missense variant is expected to disrupt COL3A1 protein function with a positive predictive value of 95%. This variant disrupts the triple helix domain of COL3A1. Glycine residues within the Gly-Xaa-Yaa repeats of the triple helix domain are required for the structure and stability of fibrillar collagens (PMID: 7695699, 8218237, 19344236). In COL3A1, variants that affect these glycine residues are significantly enriched in individuals with disease (PMID: 24922459, 25758994) compared to the general population (ExAC). This variant disrupts the p.Gly1092 amino acid residue in COL3A1. Other variant(s) that disrupt this residue have been observed in individuals with COL3A1-related conditions (internal data), which suggests that this may be a clinically significant amino acid residue. For these reasons, this variant has been classified as Pathogenic.

Women's Health and Genetics/Laboratory Corporation of America, LabCorp
Classification: Likely pathogenic for Familial aortopathy. Last evaluated: 2024-08-28. Review status: criteria provided, single submitter. Criteria: LabCorp Variant Classification Summary - May 2015. Collection method: clinical testing. Allele origin: germline.
Comment: Variant summary: COL3A1 c.3275G>C (p.Gly1092Ala) results in a non-conservative amino acid change located in the Collagen triple helix repeat (IPR008160) of the encoded protein sequence. This missense variant disrupts a critical glycine residue at position 1 of a Gly-X-Y repeat in the collagenous domain of collagen III alpha 1 chain. Five of five in-silico tools predict a damaging effect of the variant on protein function. The variant was absent in 250520 control chromosomes. To our knowledge, no occurrence of c.3275G>C in individuals affected with Aortopathy and no experimental evidence demonstrating its impact on protein function have been reported. No submitters have cited clinical-significance assessments for this variant to ClinVar. Based on the evidence outlined above, the variant was classified as likely pathogenic.

Literature cited by the submitters: PubMed 7695699 (cited by Labcorp Genetics (formerly Invitae), Labcorp); PubMed 8218237 (cited by Labcorp Genetics (formerly Invitae), Labcorp); PubMed 19344236 (cited by Labcorp Genetics (formerly Invitae), Labcorp); PubMed 24922459 (cited by Labcorp Genetics (formerly Invitae), Labcorp); PubMed 25758994 (cited by Labcorp Genetics (formerly Invitae), Labcorp).